The following is an entry in ClinVar:

NM_015141.4(GPD1L):c.587C>A (p.Ala196Glu)

Gene: GPD1L (glycerol-3-phosphate dehydrogenase 1 like; plus strand). Cytogenetic location: 3p22.3.
Variant type: single nucleotide variant.
Coding change: c.587C>A on transcript NM_015141.4 (MANE Select); coding-DNA position 587, C replaced by A.
Protein change: p.Ala196Glu; replaces alanine 196 with glutamic acid.
Molecular consequence: missense variant.
Genome position (GRCh38, 1-based): chr3:32,146,703, C>A. VCF-style: chr3-32146703-C-A. GRCh37 (hg19) VCF-style: chr3-32188195-C-A.
Other names: short protein forms A196E.
Identifiers: ClinVar variation 4845087 (VCV004845087.1).

ClinVar aggregate classification (germline): Uncertain significance (1 of 4 stars; one submission).

Conditions:
Cardiovascular phenotype. Identifiers: MedGen CN230736.

Submission:

Ambry Genetics
Classification: Uncertain significance for Cardiovascular phenotype. Last evaluated: 2026-02-14. Review status: criteria provided, single submitter. Criteria: Ambry Variant Classification Scheme 2023. Collection method: clinical testing. Allele origin: germline.
Comment: The p.A196E variant (also known as c.587C>A), located in coding exon 5 of the GPD1L gene, results from a C to A substitution at nucleotide position 587. The alanine at codon 196 is replaced by glutamic acid, an amino acid with dissimilar properties. This amino acid position is conserved. In addition, the in silico prediction for this alteration is inconclusive. Based on the available evidence, the clinical significance of this variant remains unclear.